The following is an entry in ClinVar:

ClinVar aggregate classification (germline): Uncertain significance (1 of 4 stars; one submission).

Conditions:
Hereditary cancer-predisposing syndrome. Also called: Neoplastic Syndromes, Hereditary; Tumor predisposition; Hereditary Cancer Syndrome; Hereditary neoplastic syndrome. Identifiers: Orphanet 140162, MedGen C0027672, MeSH D009386, MONDO:0015356.

Submission:

Ambry Genetics
Classification: Uncertain significance for Hereditary cancer-predisposing syndrome. Last evaluated: 2025-12-22. Review status: criteria provided, single submitter. Criteria: Ambry Variant Classification Scheme 2023. Collection method: clinical testing. Allele origin: germline.
Comment: The p.R516S variant (also known as c.1548G>C), located in coding exon 10 of the RAD50 gene, results from a G to C substitution at nucleotide position 1548. The arginine at codon 516 is replaced by serine, an amino acid with dissimilar properties. This amino acid position is conserved. In addition, this alteration is predicted to be tolerated by in silico analysis. Based on the available evidence, the clinical significance of this variant remains unclear.

NM_005732.4(RAD50):c.1548G>C (p.Arg516Ser)

Gene: RAD50 (RAD50 double strand break repair protein; plus strand). Cytogenetic location: 5q31.1.
Variant type: single nucleotide variant.
Coding change: c.1548G>C on transcript NM_005732.4 (MANE Select); coding-DNA position 1548, G replaced by C.
Protein change: p.Arg516Ser; replaces arginine 516 with serine.
Molecular consequence: missense variant.
Genome position (GRCh38, 1-based): chr5:132,591,319, G>C. VCF-style: chr5-132591319-G-C. GRCh37 (hg19) VCF-style: chr5-131927011-G-C.
Other names: short protein forms R516S.
Identifiers: ClinVar variation 4842937 (VCV004842937.1).